The following is an entry in ClinVar:

ClinVar aggregate classification (germline): Uncertain significance. Review status: criteria provided, multiple submitters, no conflicts (2 of 4 stars). 2 submissions from 2 submitters: Uncertain significance (2). Last evaluated 2025-03-26.

Conditions:
Inborn genetic diseases. Identifiers: MedGen C0950123, MeSH D030342.
Neuromuscular disease caused by qualitative or quantitative defects of dysferlin. Also called: Qualitative or quantitative defects of dysferlin; Dysferlinopathy. Identifiers: Orphanet 207073, MedGen C2931687, MONDO:0016145.

Allele frequency attached by ClinVar (database versions not stated): gnomAD exomes below 0.00001 and 0.00001; ExAC 0.00001; gnomAD 0.00001; TOPMed 0.00001.
gnomAD v4.1: 3 of 1,613,660 alleles (0.00019%); highest among the groups gnomAD compares: African/African-American, 0.0027%; no homozygotes.

Submissions (2):

Ambry Genetics
Classification: Uncertain significance for Inborn genetic diseases. Last evaluated: 2025-03-26. Review status: criteria provided, single submitter. Criteria: Ambry Variant Classification Scheme 2023. Collection method: clinical testing. Allele origin: germline.

Labcorp Genetics (formerly Invitae), Labcorp
Classification: Uncertain significance for Neuromuscular disease caused by qualitative or quantitative defects of dysferlin. Last evaluated: 2021-10-27. Review status: criteria provided, single submitter. Criteria: Invitae Variant Classification Sherloc (09022015). Collection method: clinical testing. Allele origin: germline.
Comment: This sequence change replaces aspartic acid, which is acidic and polar, with valine, which is neutral and non-polar, at codon 1651 of the DYSF protein (p.Asp1651Val). This variant is present in population databases (rs776897492, gnomAD 0.007%). This variant has not been reported in the literature in individuals affected with DYSF-related conditions. Advanced modeling of protein sequence and biophysical properties (such as structural, functional, and spatial information, amino acid conservation, physicochemical variation, residue mobility, and thermodynamic stability) performed at Invitae indicates that this missense variant is expected to disrupt DYSF protein function. In summary, the available evidence is currently insufficient to determine the role of this variant in disease. Therefore, it has been classified as a Variant of Uncertain Significance.

NM_001130987.2(DYSF):c.5069A>T (p.Asp1690Val)

Gene: DYSF (dysferlin; plus strand). Cytogenetic location: 2p13.2.
Variant type: single nucleotide variant.
Coding change: c.5069A>T on transcript NM_001130987.2 (MANE Select); coding-DNA position 5069, A replaced by T.
Protein change: p.Asp1690Val; replaces aspartic acid 1690 with valine.
Molecular consequence: missense variant.
Genome position (GRCh38, 1-based): chr2:71,664,333, A>T. VCF-style: chr2-71664333-A-T. GRCh37 (hg19) VCF-style: chr2-71891463-A-T.
Other names: c.4952A>T (NM_003494.3); c.5018A>T, p.Asp1673Val (NM_001130983.2); c.4976A>T, p.Asp1659Val (NM_001130984.2); c.5006A>T, p.Asp1669Val (NM_001130985.2); c.4913A>T, p.Asp1638Val (NM_001130986.2); c.4952A>T, p.Asp1651Val (NM_003494.4); c.4955A>T, p.Asp1652Val (NM_001130455.2); c.4910A>T, p.Asp1637Val (NM_001130976.2); and 6 more; short protein forms D1651V, D1672V, D1673V, D1682V, D1683V, D1689V, D1638V, D1659V.
Identifiers: ClinVar variation 1345102 (VCV001345102.4), dbSNP rs776897492, ClinGen allele CA1707233.